The following is an entry in ClinVar:

NM_006767.4(LZTR1):c.1685_1761del (p.Leu562fs)

Gene: LZTR1 (leucine zipper like post translational regulator 1; plus strand). Cytogenetic location: 22q11.21.
Variant type: Deletion.
Coding change: c.1685_1761del on transcript NM_006767.4 (MANE Select); coding-DNA positions 1685 to 1761, 77 bases deleted.
Protein change: p.Leu562fs; shifts the reading frame from leucine 562.
Molecular consequence: frameshift variant.
Genome position (GRCh38, 1-based): chr22:20,994,627-20,994,703, 77 bases deleted. GRCh37 (hg19): chr22:21,348,916-21,348,992.
Other names: short protein forms L562fs.
Identifiers: ClinVar variation 2710231 (VCV002710231.3), dbSNP rs2518621763, ClinGen allele CA2697547693.

ClinVar aggregate classification (germline): Pathogenic (1 of 4 stars; one submission).

Submission:

Labcorp Genetics (formerly Invitae), Labcorp
Classification: Pathogenic. Last evaluated: 2024-01-19. Review status: criteria provided, single submitter. Criteria: Invitae Variant Classification Sherloc (09022015). Collection method: clinical testing. Allele origin: germline.
Comment: This sequence change creates a premature translational stop signal (p.Leu562Profs*81) in the LZTR1 gene. It is expected to result in an absent or disrupted protein product. Loss-of-function variants in LZTR1 are known to be pathogenic (PMID: 24362817, 25335493, 25480913, 25795793, 29469822, 30368668, 30442762, 30442766, 30481304, 30859559). This variant is not present in population databases (gnomAD no frequency). This variant has not been reported in the literature in individuals affected with LZTR1-related conditions. For these reasons, this variant has been classified as Pathogenic.

Literature cited by the submitters: PubMed 24362817; PubMed 25335493; PubMed 25480913; PubMed 25795793; PubMed 29469822; PubMed 30368668; PubMed 30442762; PubMed 30442766; PubMed 30481304; PubMed 30859559.